The following is an entry in ClinVar:

ClinVar aggregate classification (germline): Uncertain significance (1 of 4 stars; one submission).

Conditions:
Sulfite oxidase deficiency due to molybdenum cofactor deficiency type A. Also called: Molybdenum cofactor deficiency, complementation group A; Molybdenum Cofactor Deficiency A. Identifiers: Orphanet 308386, Orphanet 833, MedGen C1854988, MONDO:0009643, OMIM 252150.

Allele frequency attached by ClinVar (database versions not stated): gnomAD exomes below 0.00001.
gnomAD v4.1: 1 of 1,612,314 alleles (0.000062%); highest among the groups gnomAD compares: South Asian, 0.0011%; no homozygotes.

Submission:

Labcorp Genetics (formerly Invitae), Labcorp
Classification: Uncertain significance for Sulfite oxidase deficiency due to molybdenum cofactor deficiency type A. Last evaluated: 2024-04-05. Review status: criteria provided, single submitter. Criteria: Invitae Variant Classification Sherloc (09022015). Collection method: clinical testing. Allele origin: germline.
Comment: This sequence change replaces methionine, which is neutral and non-polar, with arginine, which is basic and polar, at codon 88 of the MOCS1 protein (p.Met88Arg). This variant is present in population databases (no rsID available, gnomAD 0.003%). This variant has not been reported in the literature in individuals affected with MOCS1-related conditions. ClinVar contains an entry for this variant (Variation ID: 2185160). An algorithm developed to predict the effect of missense changes on protein structure and function (PolyPhen-2) suggests that this variant is likely to be disruptive. In summary, the available evidence is currently insufficient to determine the role of this variant in disease. Therefore, it has been classified as a Variant of Uncertain Significance.

NM_001358530.2(MOCS1):c.263T>G (p.Met88Arg)

Gene: MOCS1 (molybdenum cofactor synthesis 1; minus strand). Cytogenetic location: 6p21.2.
Variant type: single nucleotide variant.
Coding change: c.263T>G on transcript NM_001358530.2 (MANE Select); coding-DNA position 263, T replaced by G.
Protein change: p.Met88Arg; replaces methionine 88 with arginine.
Molecular consequence: missense variant. On other transcripts: initiator codon variant (3), non-coding transcript variant (1).
Genome position (GRCh38, 1-based): chr6:39,925,833, A>C on the plus strand (T>G on the coding strand, the complement: MOCS1 is on the minus strand). VCF-style: chr6-39925833-A-C. GRCh37 (hg19) VCF-style: chr6-39893577-A-C.
Other names: c.263T>G, p.Met88Arg (NM_001075098.4, NM_001358529.2, NM_005943.6); c.2T>G, p.Met1Arg (NM_001358531.2, NM_001358533.2, NM_001358534.2); short protein forms M1R, M88R.
Identifiers: ClinVar variation 2185160 (VCV002185160.5), dbSNP rs1483879853, ClinGen allele CA364044907.